The following is an entry in ClinVar:

NM_002778.4(PSAP):c.-28A>C

Gene: PSAP (prosaposin; minus strand). Cytogenetic location: 10q22.1.
Variant type: single nucleotide variant.
Coding change: c.-28A>C on transcript NM_002778.4 (MANE Select); 28 bases upstream of the start codon, A replaced by C.
Molecular consequence: 5 prime UTR variant.
Genome position (GRCh38, 1-based): chr10:71,851,249, T>G on the plus strand (A>C on the coding strand, the complement: PSAP is on the minus strand). VCF-style: chr10-71851249-T-G. GRCh37 (hg19) VCF-style: chr10-73611006-T-G.
Other names: c.-28A>C (NM_001042465.3, NM_001042466.3).
Identifiers: ClinVar variation 258805 (VCV000258805.6), dbSNP rs375720661, ClinGen allele CA5547957.

ClinVar aggregate classification (germline): Conflicting classifications of pathogenicity. Review status: criteria provided, conflicting classifications (1 of 4 stars). 5 submissions from 2 submitters: Uncertain significance (3); Benign (1); Likely benign (1). Last evaluated 2018-01-13.

Conditions:
Krabbe disease due to saposin A deficiency. Also called: KRABBE DISEASE, ATYPICAL, DUE TO SAPOSIN A DEFICIENCY; Saposin A Deficiency. Identifiers: Orphanet 487, MedGen C2673266, MONDO:0012720, OMIM 611722.
Combined PSAP deficiency (PSAPD). Also called: Encephalopathy due to prosaposin deficiency; PROSAPOSIN DEFICIENCY; COMBINED SAP DEFICIENCY. Identifiers: Orphanet 139406, MedGen C2673635, MONDO:0012719, OMIM 611721.
Sphingolipid activator protein 1 deficiency. Also called: Saposin B Deficiency; METACHROMATIC LEUKODYSTROPHY DUE TO CEREBROSIDE SULFATASE ACTIVATOR DEFICIENCY; Metachromatic leukodystrophy due to saposin B deficiency. Identifiers: Orphanet 512, MedGen C0268262, MONDO:0009590, OMIM 249900.
Gaucher disease due to saposin C deficiency. Also called: Saposin C Deficiency; Atypical Gaucher disease due to saposin C deficiency. Identifiers: Orphanet 309252, Orphanet 355, MedGen C1864651, MONDO:0012517, OMIM 610539.

Allele frequency attached by ClinVar (database versions not stated): TOPMed 0.00033; gnomAD 0.00028 and 0.00035; ESP Exome Variant Server 0.00019.
gnomAD v4.1: 490 of 1,550,362 alleles (0.032%); highest among the groups gnomAD compares: Middle Eastern, 0.87%; 1 homozygote.

Submissions (5):

Illumina Laboratory Services, Illumina
Classification: Benign for Gaucher disease due to saposin C deficiency. Last evaluated: 2018-01-13. Review status: criteria provided, single submitter. Criteria: ICSL Variant Classification Criteria 13 December 2019. Collection method: clinical testing. Allele origin: germline.
Comment: This variant was observed in the ICSL laboratory as part of a predisposition screen in an ostensibly healthy population. It had not been previously curated by ICSL or reported in the Human Gene Mutation Database (HGMD: prior to June 1st, 2018), and was therefore a candidate for classification through an automated scoring system. Utilizing variant allele frequency, disease prevalence and penetrance estimates, and inheritance mode, an automated score was calculated to assess if this variant is too frequent to cause the disease. Based on the score and internal cut-off values, a variant classified as benign is not then subjected to further curation. The score for this variant resulted in a classification of benign for this disease.

Illumina Laboratory Services, Illumina
Classification: Uncertain significance for Combined PSAP deficiency. Last evaluated: 2018-01-13. Review status: criteria provided, single submitter. Criteria: ICSL Variant Classification Criteria 13 December 2019. Collection method: clinical testing. Allele origin: germline.

Illumina Laboratory Services, Illumina
Classification: Uncertain significance for Sphingolipid activator protein 1 deficiency. Last evaluated: 2018-01-13. Review status: criteria provided, single submitter. Criteria: ICSL Variant Classification Criteria 13 December 2019. Collection method: clinical testing. Allele origin: germline.

Illumina Laboratory Services, Illumina
Classification: Uncertain significance for Krabbe disease due to saposin A deficiency. Last evaluated: 2018-01-13. Review status: criteria provided, single submitter. Criteria: ICSL Variant Classification Criteria 13 December 2019. Collection method: clinical testing. Allele origin: germline.

PreventionGenetics, part of Exact Sciences
Classification: Likely benign. Review status: criteria provided, single submitter. Criteria: ACMG Guidelines, 2015. Collection method: clinical testing. Allele origin: germline.